The following is an entry in ClinVar:

NM_017827.4(SARS2):c.1389G>A (p.Ala463=)

Gene: SARS2 (seryl-tRNA synthetase 2, mitochondrial; minus strand). Cytogenetic location: 19q13.2.
Variant type: single nucleotide variant.
Coding change: c.1389G>A on transcript NM_017827.4 (MANE Select); coding-DNA position 1389, G replaced by A.
Protein change: p.Ala463=; no amino-acid change (alanine 463 retained).
Molecular consequence: synonymous variant.
Genome position (GRCh38, 1-based): chr19:38,915,865, C>T on the plus strand (G>A on the coding strand, the complement: SARS2 is on the minus strand). VCF-style: chr19-38915865-C-T. GRCh37 (hg19) VCF-style: chr19-39406505-C-T.
Other names: p.Ala463=; c.1395G>A, p.Ala465= (NM_001145901.2).
Identifiers: ClinVar variation 2166294 (VCV002166294.5), dbSNP rs373297020, ClinGen allele CA9422731.

ClinVar aggregate classification (germline): Likely benign. Review status: criteria provided, multiple submitters, no conflicts (2 of 4 stars). 2 submissions from 2 submitters: Likely benign (2). Last evaluated 2025-09-02.

Allele frequency attached by ClinVar (database versions not stated): ExAC 0.00005; gnomAD 0.00005; TOPMed 0.00011; ESP Exome Variant Server 0.00023.
gnomAD v4.1: 187 of 1,613,718 alleles (0.012%); highest among the groups gnomAD compares: Admixed American, 0.035%; no homozygotes.

Submissions (2):

Mayo Clinic Laboratories, Mayo Clinic
Classification: Likely benign. Last evaluated: 2025-09-02. Review status: criteria provided, single submitter. Criteria: ACMG Guidelines, 2015. Collection method: clinical testing. Allele origin: germline. Observed: 1 variant allele.
Comment: BP4, BP7, PM2_supporting

Labcorp Genetics (formerly Invitae), Labcorp
Classification: Likely benign. Last evaluated: 2025-07-15. Review status: criteria provided, single submitter. Criteria: Invitae Variant Classification Sherloc (09022015). Collection method: clinical testing. Allele origin: germline.